The following is an entry in ClinVar:

NM_001256789.3(CACNA1F):c.245G>A (p.Arg82Gln)

Gene: CACNA1F (calcium voltage-gated channel subunit alpha1 F; minus strand). Cytogenetic location: Xp11.23.
Variant type: single nucleotide variant.
Coding change: c.245G>A on transcript NM_001256789.3 (MANE Select); coding-DNA position 245, G replaced by A.
Protein change: p.Arg82Gln; replaces arginine 82 with glutamine.
Molecular consequence: missense variant. On other transcripts: intron variant (1).
Genome position (GRCh38, 1-based): chrX:49,231,708, C>T on the plus strand (G>A on the coding strand, the complement: CACNA1F is on the minus strand). VCF-style: chrX-49231708-C-T. GRCh37 (hg19) VCF-style: chrX-49088170-C-T.
Other names: c.245G>A, p.Arg82Gln (NM_005183.4); c.66-16G>A (NM_001256790.3); short protein forms R82Q.
Identifiers: ClinVar variation 988786 (VCV000988786.15), dbSNP rs2065880189, ClinGen allele CA412927194.

ClinVar aggregate classification (germline): Conflicting classifications of pathogenicity. Review status: criteria provided, conflicting classifications (1 of 4 stars). 8 submissions from 8 submitters: Pathogenic (2); Likely pathogenic (2); Uncertain significance (3). 1 of the submissions does not count toward it. Last evaluated 2025-09-01.

Conditions:
CACNA1F-related disorder. Also called: CACNA1F-related condition.
Congenital stationary night blindness 2A (CSNB2A). Also called: CSNB, INCOMPLETE, X-LINKED; Night blindness, congenital stationary (incomplete), 2A, X-linked; NIGHT BLINDNESS, CONGENITAL STATIONARY, TYPE 2; CACNA1F-Related X-Linked Congenital Stationary Night Blindness. Identifiers: Orphanet 215, MedGen C1848172, MONDO:0010241, OMIM 300071.
Aland island eye disease (AIED). Also called: Forsius Eriksson type ocular albinism. Identifiers: Orphanet 178333, MedGen C0268505, MONDO:0010371, OMIM 300600.
X-linked cone-rod dystrophy 3 (CORDX3). Identifiers: Orphanet 1872, MedGen C1845407, MONDO:0010335, OMIM 300476.
Retinal dystrophy. Also called: Inherited retinal dystrophy. Identifiers: Orphanet 71862, MedGen C0854723, MeSH D058499, MONDO:0019118, HP:0000556.

Allele frequency attached by ClinVar (database versions not stated): gnomAD exomes below 0.00001.

Submissions (8):

Labcorp Genetics (formerly Invitae), Labcorp
Classification: Likely pathogenic. Last evaluated: 2025-09-01. Review status: criteria provided, single submitter. Criteria: Invitae Variant Classification Sherloc (09022015). Collection method: clinical testing. Allele origin: germline.
Comment: This sequence change replaces arginine, which is basic and polar, with glutamine, which is neutral and polar, at codon 82 of the CACNA1F protein (p.Arg82Gln). This variant is not present in population databases (gnomAD no frequency). This missense change has been observed in individuals with CACNA1F-related conditions (PMID: 25307992, 26747767, 28002560, 30825406, 38028590). ClinVar contains an entry for this variant (Variation ID: 988786). An algorithm developed to predict the effect of missense changes on protein structure and function (PolyPhen-2) suggests that this variant is likely to be disruptive. In summary, the currently available evidence indicates that the variant is pathogenic, but additional data are needed to prove that conclusively. Therefore, this variant has been classified as Likely Pathogenic.

3billion
Classification: Uncertain significance for CACNA1F-related disorder. Last evaluated: 2024-06-27. Review status: criteria provided, single submitter. Criteria: ACMG Guidelines, 2015. Collection method: clinical testing. Allele origin: germline. Affected: yes.
Comment: The variant is observed at an extremely low frequency in the gnomAD v4.0.0 dataset (total allele frequency: <0.001%). Predicted Consequence/Location: The majority of the known disease-causing variants of this gene are variants expected to result in premature termination of the protein. In silico tool predictions suggest damaging effect of the variant on gene or gene product [REVEL: 0.81 (>=0.6, sensitivity 0.68 and specificity 0.92)]. The same nucleotide change resulting in the same amino acid change has been previously reported to be associated with CACNA1F related disorder (ClinVar ID: VCV000988786 /PMID: 25307992).A different missense change at the same codon (p.Arg82Pro) has been reported to be associated with CACNA1F related disorder (PMID: 30825406). Therefore, this variant is classified as VUS according to the recommendation of ACMG/AMP guideline.

Blueprint Genetics
Classification: Pathogenic for CACNA1F-related disorders. Last evaluated: 2022-03-22. Review status: criteria provided, single submitter. Criteria: ACMG Guidelines, 2015. Collection method: clinical testing. Allele origin: germline. Affected: yes. Observed: 5 variant alleles.

MGZ Medical Genetics Center
Classification: Uncertain significance for Aland island eye disease. Last evaluated: 2021-12-21. Review status: criteria provided, single submitter. Criteria: ACMG Guidelines, 2015. Collection method: clinical testing. Allele origin: germline. Affected: yes. Observed: 2 variant alleles.
Comment: ACMG criteria applied: PM2_SUP, PP3

GeneDx
Classification: Uncertain significance. Last evaluated: 2019-02-08. Review status: criteria provided, single submitter. Criteria: GeneDx Variant Classification Process June 2021. Collection method: clinical testing. Allele origin: germline. Affected: yes.
Comment: Not observed in large population cohorts (Lek et al., 2016); In silico analysis, which includes protein predictors and evolutionary conservation, supports a deleterious effect; This variant is associated with the following publications: (PMID: 26747767, 25307992, 33668843)

Institute of Human Genetics, Univ. Regensburg, Univ. Regensburg
Classification: Pathogenic for Retinal dystrophy. Last evaluated: 2017-01-01. Review status: criteria provided, single submitter. Criteria: ACMG Guidelines, 2015. Collection method: clinical testing. Allele origin: germline. Affected: yes.

Juno Genomics, Hangzhou Juno Genomics, Inc
Classification: Likely pathogenic for Aland island eye disease; X-linked cone-rod dystrophy 3; Congenital stationary night blindness 2A. Review status: criteria provided, single submitter. Criteria: ACMG Guidelines, 2015. Collection method: clinical testing. Allele origin: germline.
Comment: Absent from controls (or at extremely low frequency if recessive) in Genome Aggregation Database.;Multiple lines of computational evidence support a deleterious effect on the gene or gene product.;The prevalence of the variant in affected individuals is significantly increased compared to the prevalence in controls.;Patient's phenotype or family history is highly specific for a disease with a single genetic etiology.

Laboratory of Genetics in Ophthalmology, Institut Imagine
Classification: Likely pathogenic for Congenital stationary night blindness, type 2A. Review status: no assertion criteria provided. Collection method: research. Allele origin: maternal. Affected: yes. Observed: 1 variant allele. Not counted in ClinVar's aggregate classification.

Literature cited by the submitters: PubMed 25307992 (cited by 4 submitters); PubMed 26747767 (cited by Labcorp Genetics (formerly Invitae), Labcorp and Institute of Human Genetics, Univ. Regensburg, Univ. Regensburg); PubMed 28002560 (cited by Labcorp Genetics (formerly Invitae), Labcorp); PubMed 30825406 (cited by Labcorp Genetics (formerly Invitae), Labcorp and 3billion); PubMed 38028590 (cited by Labcorp Genetics (formerly Invitae), Labcorp); PubMed 33668843 (cited by Institute of Human Genetics, Univ. Regensburg, Univ. Regensburg).